The following is an entry in ClinVar:

NM_005591.4(MRE11):c.694C>T (p.Gln232Ter)

Gene: MRE11 (MRE11 double strand break repair nuclease; minus strand). Cytogenetic location: 11q21.
Variant type: single nucleotide variant.
Coding change: c.694C>T on transcript NM_005591.4 (MANE Select); coding-DNA position 694, C replaced by T.
Protein change: p.Gln232Ter; replaces glutamine 232 with a stop codon.
Molecular consequence: nonsense.
Genome position (GRCh38, 1-based): chr11:94,471,725, G>A on the plus strand (C>T on the coding strand, the complement: MRE11 is on the minus strand). VCF-style: chr11-94471725-G-A. GRCh37 (hg19) VCF-style: chr11-94204891-G-A.
Other names: c.694C>T, p.Gln232Ter (NM_001330347.2, NM_005590.4); short protein forms Q232*.
Identifiers: ClinVar variation 2753658 (VCV002753658.3), dbSNP rs2496497653, ClinGen allele CA382375890.

ClinVar aggregate classification (germline): Pathogenic (1 of 4 stars; one submission).

Conditions:
Ataxia-telangiectasia-like disorder (ATLD). Identifiers: MedGen C1858391, MONDO:0011457.

Submission:

Labcorp Genetics (formerly Invitae), Labcorp
Classification: Pathogenic for Ataxia-telangiectasia-like disorder. Last evaluated: 2025-07-31. Review status: criteria provided, single submitter. Criteria: Invitae Variant Classification Sherloc (09022015). Collection method: clinical testing. Allele origin: germline.
Comment: This sequence change creates a premature translational stop signal (p.Gln232*) in the MRE11 gene. It is expected to result in an absent or disrupted protein product. Loss-of-function variants in MRE11 are known to be pathogenic (PMID: 23080121, 23912341). This variant is not present in population databases (gnomAD no frequency). This variant has not been reported in the literature in individuals affected with MRE11-related conditions. ClinVar contains an entry for this variant (Variation ID: 2753658). For these reasons, this variant has been classified as Pathogenic.

Literature cited by the submitters: PubMed 23080121; PubMed 23912341.